The following is an entry in ClinVar:

NM_004385.5(VCAN):c.1046A>T (p.Lys349Ile)

Gene: VCAN (versican; plus strand). Cytogenetic location: 5q14.3.
Variant type: single nucleotide variant.
Coding change: c.1046A>T on transcript NM_004385.5 (MANE Select); coding-DNA position 1046, A replaced by T.
Protein change: p.Lys349Ile; replaces lysine 349 with isoleucine.
Molecular consequence: missense variant. On other transcripts: intron variant (2).
Genome position (GRCh38, 1-based): chr5:83,519,352, A>T. VCF-style: chr5-83519352-A-T. GRCh37 (hg19) VCF-style: chr5-82815171-A-T.
Other names: c.1046A>T, p.Lys349Ile (NM_001164098.2); c.1042+6956A>T (NM_001164097.2, NM_001126336.3); short protein forms K349I.
Identifiers: ClinVar variation 2064995 (VCV002064995.4), dbSNP rs1022668368, ClinGen allele CA360298889.

ClinVar aggregate classification (germline): Uncertain significance (1 of 4 stars; one submission).

Submission:

Labcorp Genetics (formerly Invitae), Labcorp
Classification: Uncertain significance. Last evaluated: 2022-08-16. Review status: criteria provided, single submitter. Criteria: Invitae Variant Classification Sherloc (09022015). Collection method: clinical testing. Allele origin: germline.
Comment: This sequence change replaces lysine, which is basic and polar, with isoleucine, which is neutral and non-polar, at codon 349 of the VCAN protein (p.Lys349Ile). This variant is not present in population databases (gnomAD no frequency). This variant has not been reported in the literature in individuals affected with VCAN-related conditions. Algorithms developed to predict the effect of missense changes on protein structure and function are either unavailable or do not agree on the potential impact of this missense change (SIFT: "Deleterious"; PolyPhen-2: "Benign"; Align-GVGD: "Class C65"). In summary, the available evidence is currently insufficient to determine the role of this variant in disease. Therefore, it has been classified as a Variant of Uncertain Significance.